The following is an entry in ClinVar:

ClinVar aggregate classification (germline): Pathogenic (0 of 4 stars; one submission).

Submission:

Quest Diagnostics Nichols Institute San Juan Capistrano
Classification: Pathogenic. Last evaluated: 2021-05-01. Review status: no assertion criteria provided. Collection method: clinical testing. Allele origin: germline.
Comment: The terminal 3q29 gain is associated with 3q29 duplication syndrome (OMIM 611936). The common clinical findings include mild to moderate intellectual disability, microcephaly, round face, bulbous nose, short or downslanting palpebral fissures, excessive hand creases, and pes planus (Lisi EC et al., Am J Med Genet A. 2008 Mar 1;146A(5):601-9., PMID: 18241066; Dworschak GC., et al., Clin Genet. 2017 May;91(5):661-671. PMID: 27549440; Tassano et al., Eur J Med Genet. 2018 Mar 1. Pii: S1769-7212(17)30430-5. PMID: 29501613).

GRCh37/hg19 3p26.1(chr3:6200935-6981500)x3

Gene: GRM7 (glutamate metabotropic receptor 7; plus strand). Cytogenetic location: 3p26.1.
Variant type: copy number gain.
Change: copy number 3 (three copies instead of two) of chr3:6,200,935-6,981,500 (780.6 kb, GRCh37 coordinates, 1-based), cytogenetic band 3p26.1.
Identifiers: ClinVar variation 1340517 (VCV001340517.1).